The following is an entry in ClinVar:

ClinVar aggregate classification (germline): Uncertain significance (1 of 4 stars; one submission).

Conditions:
Early-infantile DEE. Also called: Early infantile epileptic encephalopathy; Early infantile epileptic encephalopathy with suppression bursts; Ohtahara syndrome. Identifiers: Orphanet 1934, MedGen C0393706, MONDO:0800491.

Submission:

Labcorp Genetics (formerly Invitae), Labcorp
Classification: Uncertain significance for Early-infantile DEE. Last evaluated: 2022-02-15. Review status: criteria provided, single submitter. Criteria: Invitae Variant Classification Sherloc (09022015). Collection method: clinical testing. Allele origin: germline.
Comment: In summary, the available evidence is currently insufficient to determine the role of this variant in disease. Therefore, it has been classified as a Variant of Uncertain Significance. Advanced modeling of protein sequence and biophysical properties (such as structural, functional, and spatial information, amino acid conservation, physicochemical variation, residue mobility, and thermodynamic stability) performed at Invitae indicates that this missense variant is not expected to disrupt SCN1A protein function. This variant has not been reported in the literature in individuals affected with SCN1A-related conditions. This variant is not present in population databases (gnomAD no frequency). This sequence change replaces methionine, which is neutral and non-polar, with threonine, which is neutral and polar, at codon 631 of the SCN1A protein (p.Met631Thr).

NM_001165963.4(SCN1A):c.1892T>C (p.Met631Thr)

Gene: SCN1A (sodium voltage-gated channel alpha subunit 1; minus strand). Cytogenetic location: 2q24.3.
Variant type: single nucleotide variant.
Coding change: c.1892T>C on transcript NM_001165963.4 (MANE Select); coding-DNA position 1892, T replaced by C.
Protein change: p.Met631Thr; replaces methionine 631 with threonine.
Molecular consequence: missense variant. On other transcripts: 5 prime UTR variant (1), non-coding transcript variant (1).
Genome position (GRCh38, 1-based): chr2:166,043,820, A>G on the plus strand (T>C on the coding strand, the complement: SCN1A is on the minus strand). VCF-style: chr2-166043820-A-G. GRCh37 (hg19) VCF-style: chr2-166900330-A-G.
Other names: c.1892T>C, p.Met631Thr (NM_001165964.3, NM_001202435.3, NM_001353948.2 and 7 more transcripts); c.1889T>C, p.Met630Thr (NM_001353954.2, NM_001353955.2, NM_001353960.2); c.-534T>C (NM_001353961.2); short protein forms M631T, M630T.
Identifiers: ClinVar variation 2097751 (VCV002097751.4), dbSNP rs2468152143, ClinGen allele CA349067352.